The following is an entry in ClinVar:

ClinVar aggregate classification (germline): Uncertain significance (1 of 4 stars; one submission).

Conditions:
Congenital primary aphakia. Also called: ANTERIOR SEGMENT DYSGENESIS 2; Anterior segment dysgenesis 2, multiple subtypes. Identifiers: Orphanet 83461, MedGen C1853230, MONDO:0012456, OMIM 610256.

Submission:

Neuberg Centre For Genomic Medicine, NCGM
Classification: Uncertain significance for Congenital primary aphakia. Last evaluated: 2023-05-20. Review status: criteria provided, single submitter. Criteria: ACMG Guidelines, 2015. Collection method: clinical testing. Allele origin: germline. Inheritance: Autosomal recessive inheritance. Affected: yes.
Comment: The observed missense variant c.245T>A (p.Met82Lys) in FOXE3 gene has not been reported previously as a pathogenic variant nor as a benign variant, to our knowledge. The p.Met82Lys variant is absent in gnomAD Exomes. This variant has not been submitted to the ClinVar database. Multiple lines of computational evidence (Polyphen - Damaging, SIFT - Damaging and Mutation Taster - Disease causing) predict a damaging effect on protein structure and function for this variant. The amino acid change p.Met82Lys in FOXE3 is predicted as conserved by GERP++ and PhyloP across 100 vertebrates. The amino acid Met at position 82 is changed to a Lys changing protein sequence and it might alter its composition and physico-chemical properties. For these reasons, this variant has been classified as Variant of Uncertain Significance (VUS).

NM_012186.3(FOXE3):c.245T>A (p.Met82Lys)

Genes: FOXE3 (forkhead box E3; plus strand), LINC01389 (long intergenic non-protein coding RNA 1389; minus strand). Cytogenetic location: 1p33.
Variant type: single nucleotide variant.
Coding change: c.245T>A on transcript NM_012186.3 (MANE Select); coding-DNA position 245, T replaced by A.
Protein change: p.Met82Lys; replaces methionine 82 with lysine.
Molecular consequence: missense variant.
Genome position (GRCh38, 1-based): chr1:47,416,560, T>A. VCF-style: chr1-47416560-T-A. GRCh37 (hg19) VCF-style: chr1-47882232-T-A.
Other names: short protein forms M82K.
Identifiers: ClinVar variation 3341331 (VCV003341331.1).